The following is an entry in ClinVar:

NM_000297.4(PKD2):c.2657A>G (p.Asp886Gly)

Gene: PKD2 (polycystin 2, transient receptor potential cation channel; plus strand). Cytogenetic location: 4q22.1.
Variant type: single nucleotide variant.
Coding change: c.2657A>G on transcript NM_000297.4 (MANE Select); coding-DNA position 2657, A replaced by G.
Protein change: p.Asp886Gly; replaces aspartic acid 886 with glycine.
Molecular consequence: missense variant. On other transcripts: non-coding transcript variant (1).
Genome position (GRCh38, 1-based): chr4:88,074,946, A>G. VCF-style: chr4-88074946-A-G. GRCh37 (hg19) VCF-style: chr4-88996098-A-G.
Other names: short protein forms D886G.
Identifiers: ClinVar variation 4072810 (VCV004072810.1).

ClinVar aggregate classification (germline): Likely pathogenic (1 of 4 stars; one submission).

Submission:

GeneDx
Classification: Likely pathogenic. Last evaluated: 2025-01-29. Review status: criteria provided, single submitter. Criteria: GeneDx Variant Classification Process June 2021. Collection method: clinical testing. Allele origin: germline. Affected: yes.
Comment: RNA studies demonstrate a damaging effect as the c.2657A>G variant creates a cryptic splice site resulting in an out-of-frame deletion and subsequent frameshift effect (PMID: 10541293); Not observed at significant frequency in large population cohorts (gnomAD); In silico analysis supports a deleterious effect on splicing; This variant is associated with the following publications: (PMID: 26692149, 10541293, 22383692)